The following is an entry in ClinVar:

NM_000202.8(IDS):c.482C>G (p.Ser161Cys)

Genes: IDS (iduronate 2-sulfatase; minus strand), LOC106050102 (IDS recombination region; plus strand). Cytogenetic location: Xq28.
Variant type: single nucleotide variant.
Coding change: c.482C>G on transcript NM_000202.8 (MANE Select); coding-DNA position 482, C replaced by G.
Protein change: p.Ser161Cys; replaces serine 161 with cysteine.
Molecular consequence: missense variant. On other transcripts: non-coding transcript variant (1).
Genome position (GRCh38, 1-based): chrX:149,500,974, G>C on the plus strand (C>G on the coding strand, the complement: IDS is on the minus strand). VCF-style: chrX-149500974-G-C. GRCh37 (hg19) VCF-style: chrX-148582505-G-C.
Other names: c.212C>G, p.Ser71Cys (NM_001166550.4); c.482C>G, p.Ser161Cys (NM_006123.5); short protein forms S71C, S161C.
Identifiers: ClinVar variation 2907072 (VCV002907072.3), dbSNP rs2089474844, ClinGen allele CA414523027.

ClinVar aggregate classification (germline): Uncertain significance (1 of 4 stars; one submission).

Conditions:
Mucopolysaccharidosis, MPS-II (MPS2). Also called: Mucopolysaccharidosis with skin involvement; IDS deficiency; Sulfoiduronate sulfatase deficiency; SIDS deficiency; Mucopolysaccharidosis type 2; Attenuated MPS (subtype; formerly known as mild MPS II). Identifiers: Orphanet 580, Orphanet 79388, MedGen C0026705, MONDO:0010674, OMIM 309900.

Allele frequency attached by ClinVar (database versions not stated): gnomAD exomes below 0.00001.
gnomAD v4.1: 1 of 1,178,380 alleles (0.000085%); highest among the groups gnomAD compares: Admixed American, 0.0022%; no homozygotes.

Submission:

Labcorp Genetics (formerly Invitae), Labcorp
Classification: Uncertain significance for Mucopolysaccharidosis, MPS-II. Last evaluated: 2023-11-15. Review status: criteria provided, single submitter. Criteria: Invitae Variant Classification Sherloc (09022015). Collection method: clinical testing. Allele origin: germline.
Comment: This sequence change replaces serine, which is neutral and polar, with cysteine, which is neutral and slightly polar, at codon 161 of the IDS protein (p.Ser161Cys). This variant is not present in population databases (gnomAD no frequency). This variant has not been reported in the literature in individuals affected with IDS-related conditions. Advanced modeling of protein sequence and biophysical properties (such as structural, functional, and spatial information, amino acid conservation, physicochemical variation, residue mobility, and thermodynamic stability) has been performed at Invitae for this missense variant, however the output from this modeling did not meet the statistical confidence thresholds required to predict the impact of this variant on IDS protein function. In summary, the available evidence is currently insufficient to determine the role of this variant in disease. Therefore, it has been classified as a Variant of Uncertain Significance.